The following is an entry in ClinVar:

ClinVar aggregate classification (germline): Uncertain significance (1 of 4 stars; one submission).

Conditions:
Walker-Warburg congenital muscular dystrophy. Also called: Muscular dystrophy-dystroglycanopathy, type A; Walker-Warburg syndrome. Identifiers: Orphanet 899, MedGen C0265221, MONDO:0000171.

Allele frequency attached by ClinVar (database versions not stated): gnomAD exomes below 0.00001.

Submission:

Labcorp Genetics (formerly Invitae), Labcorp
Classification: Uncertain significance for Walker-Warburg congenital muscular dystrophy. Last evaluated: 2020-04-27. Review status: criteria provided, single submitter. Criteria: Invitae Variant Classification Sherloc (09022015). Collection method: clinical testing. Allele origin: germline.
Comment: This sequence change replaces phenylalanine with cysteine at codon 297 of the FKRP protein (p.Phe297Cys). The phenylalanine residue is highly conserved and there is a large physicochemical difference between phenylalanine and cysteine. The frequency data for this variant in the population databases is considered unreliable, as metrics indicate insufficient coverage at this position in the ExAC database. This variant has not been reported in the literature in individuals with FKRP-related conditions. Algorithms developed to predict the effect of missense changes on protein structure and function are either unavailable or do not agree on the potential impact of this missense change (SIFT: "Deleterious"; PolyPhen-2: "Probably Damaging"; Align-GVGD: "Class C0"). In summary, the available evidence is currently insufficient to determine the role of this variant in disease. Therefore, it has been classified as a Variant of Uncertain Significance.

NM_024301.5(FKRP):c.890T>G (p.Phe297Cys)

Gene: FKRP (fukutin related protein; plus strand). Cytogenetic location: 19q13.32.
Variant type: single nucleotide variant.
Coding change: c.890T>G on transcript NM_024301.5 (MANE Select); coding-DNA position 890, T replaced by G.
Protein change: p.Phe297Cys; replaces phenylalanine 297 with cysteine.
Molecular consequence: missense variant.
Genome position (GRCh38, 1-based): chr19:46,756,340, T>G. VCF-style: chr19-46756340-T-G. GRCh37 (hg19) VCF-style: chr19-47259597-T-G.
Other names: c.890T>G, p.Phe297Cys (NM_001039885.3); short protein forms F297C.
Identifiers: ClinVar variation 1059118 (VCV001059118.9), dbSNP rs2122626168, ClinGen allele CA406496229.